The following is an entry in ClinVar:

NM_032271.3(TRAF7):c.1365C>G (p.Gly455=)

Gene: TRAF7 (TNF receptor associated factor 7; plus strand). Cytogenetic location: 16p13.3.
Variant type: single nucleotide variant.
Coding change: c.1365C>G on transcript NM_032271.3 (MANE Select); coding-DNA position 1365, C replaced by G.
Protein change: p.Gly455=; no amino-acid change (glycine 455 retained).
Molecular consequence: synonymous variant.
Genome position (GRCh38, 1-based): chr16:2,175,129, C>G. VCF-style: chr16-2175129-C-G. GRCh37 (hg19) VCF-style: chr16-2225130-C-G.
Identifiers: ClinVar variation 3030055 (VCV003030055.2), dbSNP rs2093130231, ClinGen allele CA492973693.

ClinVar aggregate classification (germline): Likely benign (0 of 4 stars; one submission).

Conditions:
TRAF7-related disorder. Also called: TRAF7-related condition.

Allele frequency attached by ClinVar (database versions not stated): TOPMed below 0.00001; gnomAD 0.00001.
gnomAD v4.1: 3 of 1,613,716 alleles (0.00019%); highest among the groups gnomAD compares: Non-Finnish European, 0.00025%; no homozygotes.

Submission:

PreventionGenetics, part of Exact Sciences
Classification: Likely benign for TRAF7-related condition. Last evaluated: 2020-12-14. Review status: no assertion criteria provided. Collection method: clinical testing. Allele origin: germline.
Comment: This variant is classified as likely benign based on ACMG/AMP sequence variant interpretation guidelines (Richards et al. 2015 PMID: 25741868, with internal and published modifications).